The following is an entry in ClinVar:

NM_001256789.3(CACNA1F):c.2289-7C>T

Gene: CACNA1F (calcium voltage-gated channel subunit alpha1 F; minus strand). Cytogenetic location: Xp11.23.
Variant type: single nucleotide variant.
Coding change: c.2289-7C>T on transcript NM_001256789.3 (MANE Select); 7 bases into the intron before coding-DNA position 2289, C replaced by T.
Molecular consequence: intron variant.
Genome position (GRCh38, 1-based): chrX:49,221,087, G>A on the plus strand (C>T on the coding strand, the complement: CACNA1F is on the minus strand). VCF-style: chrX-49221087-G-A. GRCh37 (hg19) VCF-style: chrX-49077546-G-A.
Other names: c.2322-7C>T (NM_005183.4); c.2127-7C>T (NM_001256790.3).
Identifiers: ClinVar variation 4979037 (VCV004979037.1).

ClinVar aggregate classification (germline): Likely benign (1 of 4 stars; one submission).

Conditions:
CACNA1F-related disorder. Also called: CACNA1F-related condition.

gnomAD v4.1: 39 of 1,199,907 alleles (0.0033%); highest among the groups gnomAD compares: South Asian, 0.0071%; no homozygotes.

Submission:

PreventionGenetics, part of Exact Sciences
Classification: Likely benign for CACNA1F-related condition. Last evaluated: 2026-06-05. Review status: criteria provided, single submitter. Criteria: ACMG Guidelines, 2015. Collection method: clinical testing. Allele origin: germline.
Comment: This variant is classified as likely benign based on ACMG/AMP sequence variant interpretation guidelines (Richards et al. 2015 PMID: 25741868, with internal and published modifications).